The following is an entry in ClinVar:

ClinVar aggregate classification (germline): Pathogenic (1 of 4 stars; one submission).

Conditions:
Coffin-Siris syndrome 1 (CSS1). Also called: Mental retardation, autosomal dominant 12; ARID1B-Related Coffin-Siris Syndrome. Identifiers: Orphanet 1465, MedGen C3281201, MONDO:0007617, OMIM 135900. Disease mechanism: gain of function.

Submission:

Illumina Laboratory Services, Illumina
Classification: Pathogenic for Coffin-Siris syndrome 1. Last evaluated: 2019-11-15. Review status: criteria provided, single submitter. Criteria: ICSLVariantClassificationCriteria RUGD 01 April 2020. Collection method: clinical testing. Allele origin: unknown.
Comment: The ARID1B c.1972_1973dupCA p.(Gln658HisfsTer27) variant causes a shift in the protein reading frame that is predicted to result in premature termination of the protein. Loss of normal protein function through either protein truncation or nonsense-mediated mRNA decay is expected. To our knowledge, this variant has not been reported in the peer-reviewed literature. This variant is not observed in version 2.1.1 or version 4.0.0 of the Genome Aggregation Database. Based on the available evidence, the c.1972_1973dupCA p.(Gln658HisfsTer27) variant is classified as pathogenic for Coffin-Siris syndrome.

NM_001374828.1(ARID1B):c.2221_2222dup (p.Gln741fs)

Gene: ARID1B (AT-rich interaction domain 1B; plus strand). Cytogenetic location: 6q25.3.
Variant type: Duplication.
Coding change: c.2221_2222dup on transcript NM_001374828.1 (MANE Select); coding-DNA positions 2221 to 2222, 2 bases duplicated (CA; older notation c.2221_2222dupCA).
Protein change: p.Gln741fs; shifts the reading frame from glutamine 741.
Molecular consequence: frameshift variant.
Genome position (GRCh38, 1-based): chr6:156,935,550-156,935,551, CA duplicated; duplicating any 2 consecutive bases within chr6:156,935,549-156,935,551 gives the same sequence; the c. name uses the placement nearest the transcript's 3' end. VCF-style (leftmost placement, unchanged base first): chr6-156935548-T-TAC. GRCh37 (hg19) VCF-style: chr6-157256682-T-TAC.
Other names: c.1972_1973dup, p.Gln658Hisfs (NM_001346813.1); c.2260_2261dup, p.Gln754fs (NM_001371656.1, NM_001374820.1); c.2221_2222dup, p.Gln741fs (NM_017519.3); c.2011_2012dup, p.Gln671Hisfs (NM_020732.3); c.1798_1799dup, p.Gln600Hisfs (NM_175863.2); short protein forms Q741fs, Q754fs.
Identifiers: ClinVar variation 3062109 (VCV003062109.1), dbSNP rs2535350159, ClinGen allele CA2740091527.